The following is an entry in ClinVar:

ClinVar aggregate classification (germline): Uncertain significance (1 of 4 stars; one submission).

Conditions:
Multiple endocrine neoplasia, type 1 (MEN1). Also called: MEA I; MEN I; WERMER SYNDROME; Endocrine adenomatosis multiple; MEN 1. Identifiers: Orphanet 652, MedGen C0025267, MeSH D018761, MONDO:0007540, OMIM 131100.

Submission:

Labcorp Genetics (formerly Invitae), Labcorp
Classification: Uncertain significance for Multiple endocrine neoplasia, type 1. Last evaluated: 2025-06-16. Review status: criteria provided, single submitter. Criteria: Invitae Variant Classification Sherloc (09022015). Collection method: clinical testing. Allele origin: germline.
Comment: This sequence change replaces serine, which is neutral and polar, with asparagine, which is neutral and polar, at codon 533 of the MEN1 protein (p.Ser533Asn). This variant is not present in population databases (gnomAD no frequency). This variant has not been reported in the literature in individuals affected with MEN1-related conditions. Invitae Evidence Modeling of protein sequence and biophysical properties (such as structural, functional, and spatial information, amino acid conservation, physicochemical variation, residue mobility, and thermodynamic stability) indicates that this missense variant is not expected to disrupt MEN1 protein function with a negative predictive value of 80%. In summary, the available evidence is currently insufficient to determine the role of this variant in disease. Therefore, it has been classified as a Variant of Uncertain Significance.

NM_001370259.2(MEN1):c.1598G>A (p.Ser533Asn)

Gene: MEN1 (menin 1; minus strand). Cytogenetic location: 11q13.1.
Variant type: single nucleotide variant.
Coding change: c.1598G>A on transcript NM_001370259.2 (MANE Select); coding-DNA position 1598, G replaced by A.
Protein change: p.Ser533Asn; replaces serine 533 with asparagine.
Molecular consequence: missense variant. On other transcripts: non-coding transcript variant (4).
Genome position (GRCh38, 1-based): chr11:64,804,569, C>T on the plus strand (G>A on the coding strand, the complement: MEN1 is on the minus strand). VCF-style: chr11-64804569-C-T. GRCh37 (hg19) VCF-style: chr11-64572041-C-T.
Other names: c.1613G>A, p.Ser538Asn (NM_000244.4, NM_001407145.1, NM_130800.3 and 4 more transcripts); c.1724G>A, p.Ser575Asn (NM_001370251.2, NM_001407142.1, NM_001407143.1 and 1 more transcripts); c.1598G>A, p.Ser533Asn (NM_001370260.2, NM_001370261.2, NM_001407146.1 and 2 more transcripts); c.1493G>A, p.Ser498Asn (NM_001370262.2, NM_001370263.2, NM_001407148.1 and 1 more transcripts); c.1739G>A, p.Ser580Asn (NM_001407150.1); c.1619G>A, p.Ser540Asn (NM_001407151.1); c.1433G>A, p.Ser478Asn (NM_001407152.1); short protein forms S478N, S498N, S533N, S538N, S540N, S575N, S580N.
Identifiers: ClinVar variation 4800414 (VCV004800414.1).